The following is an entry in ClinVar:

ClinVar aggregate classification (germline): Uncertain significance (1 of 4 stars; one submission).

Conditions:
Hereditary cancer-predisposing syndrome. Also called: Neoplastic Syndromes, Hereditary; Hereditary neoplastic syndrome; Tumor predisposition; Hereditary Cancer Syndrome. Identifiers: Orphanet 140162, MedGen C0027672, MeSH D009386, MONDO:0015356.

Submission:

Ambry Genetics
Classification: Uncertain significance for Hereditary cancer-predisposing syndrome. Last evaluated: 2026-01-20. Review status: criteria provided, single submitter. Criteria: Ambry Variant Classification Scheme 2023. Collection method: clinical testing. Allele origin: germline.
Comment: The c.2656-2A>T intronic variant results from an A to T substitution two nucleotides upstream from coding exon 20 in the MSH3 gene. Variants that disrupt the canonical splice site are expected to result in aberrant splicing. In silico splice site analysis predicts that this alteration will weaken the native splice acceptor site and will result in the creation or strengthening of a novel splice acceptor site. A resulting transcript is predicted to be in-frame and is not expected to trigger nonsense-mediated mRNA decay; although, direct evidence is unavailable. This nucleotide position is highly conserved in available vertebrate species. Based on the available evidence, the clinical significance of this variant remains unclear.

NM_002439.5(MSH3):c.2656-2A>T

Gene: MSH3 (mutS homolog 3; plus strand). Cytogenetic location: 5q14.1.
Variant type: single nucleotide variant.
Coding change: c.2656-2A>T on transcript NM_002439.5 (MANE Select); the canonical splice acceptor site of the intron before coding-DNA position 2656, A replaced by T.
Molecular consequence: splice acceptor variant.
Genome position (GRCh38, 1-based): chr5:80,813,582, A>T. VCF-style: chr5-80813582-A-T. GRCh37 (hg19) VCF-style: chr5-80109401-A-T.
Identifiers: ClinVar variation 4824371 (VCV004824371.1).